The following is an entry in ClinVar:

ClinVar aggregate classification (germline): Pathogenic (1 of 4 stars; one submission).

Conditions:
Meckel syndrome, type 11 (MKS11). Identifiers: Orphanet 564, MedGen C3809352, MONDO:0014164, OMIM 615397.
Joubert syndrome 20 (JBTS20). Identifiers: Orphanet 475, MedGen C3554235, MONDO:0013994, OMIM 614970.

Submission:

Labcorp Genetics (formerly Invitae), Labcorp
Classification: Pathogenic for Joubert syndrome 20; Meckel syndrome, type 11. Last evaluated: 2026-01-12. Review status: criteria provided, single submitter. Criteria: Invitae Variant Classification Sherloc (09022015). Collection method: clinical testing. Allele origin: germline.
Comment: This sequence change creates a premature translational stop signal (p.Ala141Argfs*18) in the TMEM231 gene. It is expected to result in an absent or disrupted protein product. Loss-of-function variants in TMEM231 are known to be pathogenic (PMID: 23012439, 23349226). This variant is present in population databases (rs758901376, gnomAD 0.008%). This variant has not been reported in the literature in individuals affected with TMEM231-related conditions. For these reasons, this variant has been classified as Pathogenic.

Literature cited by the submitters: PubMed 23012439; PubMed 23349226.

NM_001077418.3(TMEM231):c.261dup (p.Ala88fs)

Gene: TMEM231 (transmembrane protein 231; minus strand). Cytogenetic location: 16q23.1.
Variant type: Duplication.
Coding change: c.261dup on transcript NM_001077418.3 (MANE Select); coding-DNA position 261, one base duplicated (C; older notation c.261dupC).
Protein change: p.Ala88fs; shifts the reading frame from alanine 88.
Molecular consequence: frameshift variant. On other transcripts: non-coding transcript variant (1).
Genome position (GRCh38, 1-based): chr16:75,555,852, G duplicated on the plus strand (C on the coding strand, the reverse complement: TMEM231 is on the minus strand); the first of 4 consecutive G bases (chr16:75,555,852-75,555,855); duplicating any one gives the same sequence. VCF-style (leftmost placement, unchanged base first): chr16-75555851-C-CG. GRCh37 (hg19) VCF-style: chr16-75589749-C-CG.
Other names: c.420dup, p.Ala141fs (NM_001077416.2); short protein forms A88fs, A141fs.
Identifiers: ClinVar variation 4791790 (VCV004791790.1).
Genomic context (GRCh38, chr16:75,555,851, plus strand): 5'-GGGAACCACGCACCGAAACGAGCGGGACGCGCAGGCGATCCCCTTGCAGCCGGTTGAAGG[C>CG]GGGGAACGTGCTCCAGGCGAGGAACCCGTCGCTTTCGGGTCCGAGCAGGGCCACGAGCAG-3'